The following is an entry in ClinVar:

ClinVar aggregate classification (germline): Uncertain significance. Review status: criteria provided, multiple submitters, no conflicts (2 of 4 stars). 2 submissions from 2 submitters: Uncertain significance (2). Last evaluated 2019-08-28.

Conditions:
Brugada syndrome 3 (BRGDA3). Identifiers: Orphanet 130, MedGen C2678478, MONDO:0012742, OMIM 611875.
Long QT syndrome (LQTS). Identifiers: MedGen C0023976, MeSH D008133, MONDO:0002442. Disease mechanism: loss of function. Inheritance: Various modes of inheritance.

Allele frequency attached by ClinVar (database versions not stated): gnomAD exomes below 0.00001.
gnomAD v4.1: 1 of 1,605,692 alleles (0.000062%); highest among the groups gnomAD compares: African/African-American, 0.0013%; no homozygotes.

Submissions (2):

Baylor Genetics
Classification: Uncertain significance for Brugada syndrome 3. Last evaluated: 2019-08-28. Review status: criteria provided, single submitter. Criteria: ACMG Guidelines, 2015. Collection method: clinical testing. Allele origin: unknown. Affected: yes.
Comment: This variant was determined to be of uncertain significance according to ACMG Guidelines, 2015 [PMID:25741868].

Labcorp Genetics (formerly Invitae), Labcorp
Classification: Uncertain significance for Long QT syndrome. Last evaluated: 2019-04-08. Review status: criteria provided, single submitter. Criteria: Invitae Variant Classification Sherloc (09022015). Collection method: clinical testing. Allele origin: germline.
Comment: This sequence change replaces serine with asparagine at codon 67 of the CACNA1C protein (p.Ser67Asn). The serine residue is weakly conserved and there is a small physicochemical difference between serine and asparagine. This variant is not present in population databases (ExAC no frequency). In summary, the available evidence is currently insufficient to determine the role of this variant in disease. Therefore, it has been classified as a Variant of Uncertain Significance. Algorithms developed to predict the effect of missense changes on protein structure and function are either unavailable or do not agree on the potential impact of this missense change (SIFT: "Deleterious"; PolyPhen-2: "Benign"; Align-GVGD: "Class C0"). This variant has not been reported in the literature in individuals with CACNA1C-related conditions.

NM_000719.7(CACNA1C):c.200G>A (p.Ser67Asn)

Gene: CACNA1C (calcium voltage-gated channel subunit alpha1 C; plus strand). Cytogenetic location: 12p13.33.
Variant type: single nucleotide variant.
Coding change: c.200G>A on transcript NM_000719.7 (MANE Select); coding-DNA position 200, G replaced by A.
Protein change: p.Ser67Asn; replaces serine 67 with asparagine.
Molecular consequence: missense variant.
Genome position (GRCh38, 1-based): chr12:2,115,374, G>A. VCF-style: chr12-2115374-G-A. GRCh37 (hg19) VCF-style: chr12-2224540-G-A.
Other names: c.200G>A, p.Ser67Asn (NM_001129827.2, NM_001129829.2, NM_001129830.3 and 19 more transcripts); short protein forms S67N.
Identifiers: ClinVar variation 856436 (VCV000856436.9), dbSNP rs2083420296, ClinGen allele CA383653139.